The following is an entry in ClinVar:

NM_174936.4(PCSK9):c.996+6T>G

Gene: PCSK9 (proprotein convertase subtilisin/kexin type 9; plus strand). Cytogenetic location: 1p32.3.
Variant type: single nucleotide variant.
Coding change: c.996+6T>G on transcript NM_174936.4 (MANE Select); 6 bases into the intron after coding-DNA position 996, T replaced by G.
Molecular consequence: intron variant.
Genome position (GRCh38, 1-based): chr1:55,056,195, T>G. VCF-style: chr1-55056195-T-G. GRCh37 (hg19) VCF-style: chr1-55521868-T-G.
Other names: c.621+6T>G (NM_001407246.1); c.1119+6T>G (NM_001407240.1); c.999+6T>G (NM_001407242.1); c.996+6T>G (NM_001407241.1, NM_001407244.1, NM_001407247.1); c.939+6T>G (NM_001407243.1); c.804+6T>G (NM_001407245.1).
Identifiers: ClinVar variation 2774050 (VCV002774050.3), dbSNP rs1399569698, ClinGen allele CA523275422.

ClinVar aggregate classification (germline): Uncertain significance (1 of 4 stars; one submission).

Conditions:
Familial hypercholesterolemia. Also called: Familial hypercholesterolaemia. Identifiers: MedGen C0020445, MONDO:0005439.

Allele frequency attached by ClinVar (database versions not stated): gnomAD 0.00001; gnomAD exomes 0.00002.
gnomAD v4.1: 19 of 1,133,250 alleles (0.0017%); highest among the groups gnomAD compares: African/African-American, 0.0021%; no homozygotes.

Submission:

Color Diagnostics, LLC DBA Color Health
Classification: Uncertain significance for Familial hypercholesterolemia. Last evaluated: 2025-05-21. Review status: criteria provided, single submitter. Criteria: ACMG Guidelines, 2015. Collection method: clinical testing. Allele origin: germline.
Comment: This variant causes a T to G nucleotide substitution at the +6 position of intron 6 of the PCSK9 gene. To our knowledge, functional studies have not been reported for this variant. This variant has not been reported in individuals affected with PCSK9-related disorders in the literature. This variant has been identified in 1/26752 chromosomes in the general population by the Genome Aggregation Database (gnomAD). The available evidence is insufficient to determine the role of this variant in disease conclusively. Therefore, this variant is classified as a Variant of Uncertain Significance.